The following is an entry in ClinVar:

ClinVar aggregate classification (germline): Uncertain significance (1 of 4 stars; one submission).

Conditions:
Angelman syndrome (AS). Also called: HAPPY PUPPET SYNDROME. Identifiers: Orphanet 72, MedGen C0162635, MONDO:0007113, OMIM 105830. Disease mechanism: loss of function. Inheritance: AS is caused by disruption of maternally imprinted UBE3A located within the 15q11.2-q13 Angelman syndrome/Prader-Willi syndrome (AS/PWS) region., imprinting disorder.

Allele frequency attached by ClinVar (database versions not stated): gnomAD exomes below 0.00001.

Submission:

Labcorp Genetics (formerly Invitae), Labcorp
Classification: Uncertain significance for Angelman syndrome. Last evaluated: 2023-03-26. Review status: criteria provided, single submitter. Criteria: Invitae Variant Classification Sherloc (09022015). Collection method: clinical testing. Allele origin: germline.
Comment: This sequence change replaces valine, which is neutral and non-polar, with alanine, which is neutral and non-polar, at codon 360 of the UBE3A protein (p.Val360Ala). This variant is not present in population databases (gnomAD no frequency). This variant has not been reported in the literature in individuals affected with UBE3A-related conditions. Advanced modeling of protein sequence and biophysical properties (such as structural, functional, and spatial information, amino acid conservation, physicochemical variation, residue mobility, and thermodynamic stability) has been performed at Invitae for this missense variant, however the output from this modeling did not meet the statistical confidence thresholds required to predict the impact of this variant on UBE3A protein function. In summary, the available evidence is currently insufficient to determine the role of this variant in disease. Therefore, it has been classified as a Variant of Uncertain Significance.

NM_130839.5(UBE3A):c.1139T>C (p.Val380Ala)

Genes: SNHG14 (small nucleolar RNA host gene 14; plus strand), UBE3A (ubiquitin protein ligase E3A; minus strand). Cytogenetic location: 15q11.2.
Variant type: single nucleotide variant.
Coding change: c.1139T>C on transcript NM_130839.5 (MANE Select); coding-DNA position 1139, T replaced by C.
Protein change: p.Val380Ala; replaces valine 380 with alanine.
Molecular consequence: missense variant. On other transcripts: non-coding transcript variant (1), intron variant (2).
Genome position (GRCh38, 1-based): chr15:25,371,035, A>G on the plus strand (T>C on the coding strand, the complement: UBE3A is on the minus strand). VCF-style: chr15-25371035-A-G. GRCh37 (hg19) VCF-style: chr15-25616182-A-G.
Other names: c.1079T>C, p.Val360Ala (NM_001354513.2, NM_001354523.2, NM_001354526.1 and 17 more transcripts); c.1139T>C, p.Val380Ala (NM_001354538.2, NM_001354505.1, NM_001354545.2); c.301+4430T>C (NM_001354551.2); c.361+4430T>C (NM_001354550.2); c.1148T>C, p.Val383Ala (NM_000462.5); c.962T>C, p.Val321Ala (NM_001354546.2); short protein forms V383A, V380A, V321A, V360A.
Identifiers: ClinVar variation 2912643 (VCV002912643.3), dbSNP rs2552191621, ClinGen allele CA391354266.